The following is an entry in ClinVar:

NM_001754.5(RUNX1):c.148G>C (p.Gly50Arg)

Gene: RUNX1 (RUNX family transcription factor 1; minus strand). Cytogenetic location: 21q22.12.
Variant type: single nucleotide variant.
Coding change: c.148G>C on transcript NM_001754.5 (MANE Select); coding-DNA position 148, G replaced by C.
Protein change: p.Gly50Arg; replaces glycine 50 with arginine.
Molecular consequence: missense variant.
Genome position (GRCh38, 1-based): chr21:34,887,046, C>G on the plus strand (G>C on the coding strand, the complement: RUNX1 is on the minus strand). VCF-style: chr21-34887046-C-G. GRCh37 (hg19) VCF-style: chr21-36259343-C-G.
Other names: NM_001754.5(RUNX1):c.148G>C; p.Gly50Arg; c.67G>C, p.Gly23Arg (NM_001001890.3, NM_001122607.2); short protein forms G23R, G50R.
Identifiers: ClinVar variation 2738452 (VCV002738452.4), dbSNP rs2146413771, ClinGen allele CA410204129.

ClinVar aggregate classification (germline): Uncertain significance. Review status: reviewed by expert panel (3 of 4 stars). 2 submissions from 2 submitters: Uncertain significance (1). 1 of the submissions does not count toward it. Last evaluated 2025-01-15.

Conditions:
Hereditary thrombocytopenia and hematological cancer predisposition syndrome associated with RUNX1. Also called: Familial Platelet Disorder with Propensity to Acute Myelogenous Leukemia; Familial thrombocytopenia with propensity to acute myelogenous leukemia; PLATELET DISORDER, ASPIRIN-LIKE; RUNX1 Familial Platelet Disorder with Associated Myeloid Malignancies. Identifiers: Orphanet 71290, MedGen C1832388, MeSH C563324, MONDO:0100083, OMIM 601399.
Hereditary thrombocytopenia and hematologic cancer predisposition syndrome. Identifiers: Orphanet 71290, MedGen CN281654, MONDO:0011071.

Submissions (2):

ClinGen Myeloid Malignancy Variant Curation Expert Panel
Classification: Uncertain significance for Hereditary thrombocytopenia and hematologic cancer predisposition syndrome. Last evaluated: 2025-01-15. Review status: reviewed by expert panel. Criteria: ClinGen MyeloMalig ACMG Specifications v2. Collection method: curation. Allele origin: germline. Inheritance: Autosomal dominant inheritance.
Comment: NM_001754.5(RUNX1):c.148G>C (p.Gly50Arg) is a missense variant which is completely absent from all population databases with at least 20x coverage for RUNX1 (PM2_Supporting). In summary, the clinical significance of this variant is uncertain. ACMG/AMP criteria applied, as specified by the Myeloid Malignancy Variant Curation Expert Panel for RUNX1: PM2_supporting.

Labcorp Genetics (formerly Invitae), Labcorp
Classification: Uncertain significance for Hereditary thrombocytopenia and hematological cancer predisposition syndrome associated with RUNX1. Last evaluated: 2023-07-08. Review status: criteria provided, single submitter. Criteria: Invitae Variant Classification Sherloc (09022015). Collection method: clinical testing. Allele origin: germline. Not counted in ClinVar's aggregate classification.
Comment: Advanced modeling of protein sequence and biophysical properties (such as structural, functional, and spatial information, amino acid conservation, physicochemical variation, residue mobility, and thermodynamic stability) has been performed at Invitae for this missense variant, however the output from this modeling did not meet the statistical confidence thresholds required to predict the impact of this variant on RUNX1 protein function. This variant has not been reported in the literature in individuals affected with RUNX1-related conditions. This variant is not present in population databases (gnomAD no frequency). This sequence change replaces glycine, which is neutral and non-polar, with arginine, which is basic and polar, at codon 50 of the RUNX1 protein (p.Gly50Arg). In summary, the available evidence is currently insufficient to determine the role of this variant in disease. Therefore, it has been classified as a Variant of Uncertain Significance.